The following is an entry in ClinVar:

ClinVar aggregate classification (germline): Uncertain significance (1 of 4 stars; one submission).

Submission:

GeneDx
Classification: Uncertain significance. Last evaluated: 2024-11-11. Review status: criteria provided, single submitter. Criteria: GeneDx Variant Classification Process June 2021. Collection method: clinical testing. Allele origin: germline. Affected: yes.
Comment: Not observed at significant frequency in large population cohorts (gnomAD); Frameshift variant predicted to result in protein truncation or nonsense mediated decay in a gene or region of a gene for which loss of function is not a well-established mechanism of disease; Has not been previously published as pathogenic or benign to our knowledge

NM_000807.4(GABRA2):c.836del (p.Val279fs)

Gene: GABRA2 (gamma-aminobutyric acid type A receptor subunit alpha2; minus strand). Cytogenetic location: 4p12.
Variant type: Deletion.
Coding change: c.836del on transcript NM_000807.4 (MANE Select); coding-DNA position 836, one base deleted (T; older notation c.836delT).
Protein change: p.Val279fs; shifts the reading frame from valine 279.
Molecular consequence: frameshift variant.
Genome position (GRCh38, 1-based): chr4:46,303,480, A deleted on the plus strand (T on the coding strand, the reverse complement: GABRA2 is on the minus strand). VCF-style (leftmost placement, unchanged base first): chr4-46303479-CA-C. GRCh37 (hg19) VCF-style: chr4-46305496-CA-C.
Other names: c.836del, p.Val279fs (NM_001114175.3, NM_001330690.2, NM_001377144.1 and 8 more transcripts); c.671del, p.Val224fs (NM_001286827.3, NM_001377152.1, NM_001377153.1 and 1 more transcripts); short protein forms V224fs, V279fs.
Identifiers: ClinVar variation 3899141 (VCV003899141.1).